The following is an entry in ClinVar:

NC_000016.10:g.(?_53656472)_(53687965_?)del

Gene: RPGRIP1L (RPGRIP1 like; minus strand). Cytogenetic location: 16q12.2.
Variant type: Deletion.
Identifiers: ClinVar variation 833424 (VCV000833424.10).

ClinVar aggregate classification (germline): Likely pathogenic (1 of 4 stars; one submission).

Conditions:
Meckel-Gruber syndrome. Also called: DYSENCEPHALIA SPLANCHNOCYSTICA; GRUBER SYNDROME; Dysencephalia splachnocystica. Identifiers: Orphanet 564, MedGen C0265215, MONDO:0018921.
Joubert syndrome. Also called: CEREBELLOPARENCHYMAL DISORDER IV; JOUBERT-BOLTSHAUSER SYNDROME; Familial aplasia of the vermis. Identifiers: Orphanet 475, MedGen C5979921, MONDO:0018772.

Submission:

Labcorp Genetics (formerly Invitae), Labcorp
Classification: Likely pathogenic for Joubert syndrome; Meckel-Gruber syndrome. Last evaluated: 2022-07-11. Review status: criteria provided, single submitter. Criteria: Invitae Variant Classification Sherloc (09022015). Collection method: clinical testing. Allele origin: germline.
Comment: In summary, the currently available evidence indicates that the variant is pathogenic, but additional data are needed to prove that conclusively. Therefore, this variant has been classified as Likely Pathogenic. This variant disrupts the p.Gly550 amino acid residue in RPGRIP1L. Other variant(s) that disrupt this residue have been determined to be pathogenic (PMID: 22693042, 29620724). This suggests that this residue is clinically significant, and that variants that disrupt this residue are likely to be disease-causing. This variant has not been reported in the literature in individuals affected with RPGRIP1L-related conditions. This variant is a gross deletion of the genomic region encompassing exon(s) 5-14 of the RPGRIP1L gene. This variant would be expected to be in-frame, preserving the integrity of the reading frame.

Literature cited by the submitters: PubMed 22693042; PubMed 29620724.